The following is an entry in ClinVar:

ClinVar aggregate classification (germline): Uncertain significance. Review status: criteria provided, multiple submitters, no conflicts (2 of 4 stars). 4 submissions from 4 submitters: Uncertain significance (4). Last evaluated 2025-09-10.

Conditions:
Imerslund-Grasbeck syndrome type 1 (IGS1). Also called: Megaloblastic anemia 1, Finnish type; MEGALOBLASTIC ANEMIA, 1; Imerslund-Gräsbeck syndrome 1. Identifiers: MedGen C4016819, MONDO:0100156, OMIM 261100.
Proteinuria, chronic benign. Identifiers: MedGen C5394384, MONDO:0030042, OMIM 618884.
Inborn genetic diseases. Identifiers: MedGen C0950123, MeSH D030342.
Imerslund-Grasbeck syndrome. Also called: Imerslund-Gräsbeck syndrome; Megaloblastic anemia due to inborn errors of metabolism; ENTEROCYTE COBALAMIN MALABSORPTION; ENTEROCYTE INTRINSIC FACTOR RECEPTOR, DEFECT OF; PERNICIOUS ANEMIA, JUVENILE, DUE TO SELECTIVE INTESTINAL MALABSORPTION OF VITAMIN B12, WITH PROTEINURIA. Identifiers: Orphanet 35858, MedGen C4551825, MONDO:0009853.

Allele frequency attached by ClinVar (database versions not stated): gnomAD exomes below 0.00001; gnomAD 0.00001; ESP Exome Variant Server 0.00008.
gnomAD v4.1: 22 of 1,612,908 alleles (0.0014%); highest among the groups gnomAD compares: Non-Finnish European, 0.0019%; no homozygotes.

Submissions (4):

Ambry Genetics
Classification: Uncertain significance for Inborn genetic diseases. Last evaluated: 2025-09-10. Review status: criteria provided, single submitter. Criteria: Ambry Variant Classification Scheme 2023. Collection method: clinical testing. Allele origin: germline.

Fulgent Genetics
Classification: Uncertain significance for Imerslund-Grasbeck syndrome type 1; Proteinuria, chronic benign. Last evaluated: 2024-01-23. Review status: criteria provided, single submitter. Criteria: ACMG Guidelines, 2015. Collection method: clinical testing. Allele origin: germline.

Labcorp Genetics (formerly Invitae), Labcorp
Classification: Uncertain significance for Imerslund-Grasbeck syndrome. Last evaluated: 2019-12-16. Review status: criteria provided, single submitter. Criteria: Invitae Variant Classification Sherloc (09022015). Collection method: clinical testing. Allele origin: germline.
Comment: In summary, the available evidence is currently insufficient to determine the role of this variant in disease. Therefore, it has been classified as a Variant of Uncertain Significance. Algorithms developed to predict the effect of missense changes on protein structure and function output the following: SIFT: "Tolerated"; PolyPhen-2: "Benign"; Align-GVGD: "Class C0". The isoleucine amino acid residue is found in multiple mammalian species, suggesting that this missense change does not adversely affect protein function. These predictions have not been confirmed by published functional studies and their clinical significance is uncertain. This variant has not been reported in the literature in individuals with CUBN-related conditions. This variant is not present in population databases (ExAC no frequency). This sequence change replaces valine with isoleucine at codon 2917 of the CUBN protein (p.Val2917Ile). The valine residue is weakly conserved and there is a small physicochemical difference between valine and isoleucine.

Breakthrough Genomics
Classification: Uncertain significance. Review status: criteria provided, single submitter. Criteria: ACMG Guidelines, 2015. Collection method: not provided. Allele origin: germline. Inheritance: Autosomal recessive inheritance. Affected: yes.

NM_001081.4(CUBN):c.8749G>A (p.Val2917Ile)

Gene: CUBN (cubilin; minus strand). Cytogenetic location: 10p13.
Variant type: single nucleotide variant.
Coding change: c.8749G>A on transcript NM_001081.4 (MANE Select); coding-DNA position 8749, G replaced by A.
Protein change: p.Val2917Ile; replaces valine 2917 with isoleucine.
Molecular consequence: missense variant.
Genome position (GRCh38, 1-based): chr10:16,890,377, C>T on the plus strand (G>A on the coding strand, the complement: CUBN is on the minus strand). VCF-style: chr10-16890377-C-T. GRCh37 (hg19) VCF-style: chr10-16932376-C-T.
Other names: short protein forms V2917I.
Identifiers: ClinVar variation 854369 (VCV000854369.13), dbSNP rs142248018, ClinGen allele CA203545281.
Genomic context (GRCh38, chr10:16,890,377, plus strand): 5'-GTGACAACCACACTCCCGCAAAGACCTCTGGGTTTGGTTCTTAGGGCTACTTACGGCTAA[C>T]AAAGGACGCGGAGAAGCCCTGAGCTGGTGCCTCCTGAGACTGGAAGACGGCAGTGAATGT-3'
Protein context (NP_001072.2, residues 2907-2927): APAQGFSASF[Val2917Ile]SRCGSNFTGP